The following is an entry in ClinVar:

NM_022041.4(GAN):c.1139G>T (p.Gly380Val)

Gene: GAN (gigaxonin; plus strand). Cytogenetic location: 16q23.2.
Variant type: single nucleotide variant.
Coding change: c.1139G>T on transcript NM_022041.4 (MANE Select); coding-DNA position 1139, G replaced by T.
Protein change: p.Gly380Val; replaces glycine 380 with valine.
Molecular consequence: missense variant.
Genome position (GRCh38, 1-based): chr16:81,363,846, G>T. VCF-style: chr16-81363846-G-T. GRCh37 (hg19) VCF-style: chr16-81397451-G-T.
Other names: c.500G>T, p.Gly167Val (NM_001377486.1); short protein forms G380V, G167V.
Identifiers: ClinVar variation 573059 (VCV000573059.12), dbSNP rs1427637335, ClinGen allele CA396890558.

ClinVar aggregate classification (germline): Uncertain significance. Review status: criteria provided, multiple submitters, no conflicts (2 of 4 stars). 2 submissions from 2 submitters: Uncertain significance (2). Last evaluated 2023-02-13.

Conditions:
Giant axonal neuropathy 1 (GAN1). Also called: GIANT AXONAL NEUROPATHY 1, AUTOSOMAL RECESSIVE; GAN-Related Neurodegeneration. Identifiers: Orphanet 643, MedGen C1850386, MONDO:0009749, OMIM 256850.

Submissions (2):

GeneDx
Classification: Uncertain significance. Last evaluated: 2023-02-13. Review status: criteria provided, single submitter. Criteria: GeneDx Variant Classification Process June 2021. Collection method: clinical testing. Allele origin: germline. Affected: yes.
Comment: Not observed at significant frequency in large population cohorts (gnomAD); Missense variants in this gene are often considered pathogenic (HGMD); In silico analysis supports that this missense variant has a deleterious effect on protein structure/function; Has not been previously published as pathogenic or benign to our knowledge; This variant is associated with the following publications: (PMID: 27023907)

Labcorp Genetics (formerly Invitae), Labcorp
Classification: Uncertain significance for Giant axonal neuropathy 1. Last evaluated: 2019-07-24. Review status: criteria provided, single submitter. Criteria: Invitae Variant Classification Sherloc (09022015). Collection method: clinical testing. Allele origin: germline.
Comment: This sequence change replaces glycine with valine at codon 380 of the GAN protein (p.Gly380Val). The glycine residue is highly conserved and there is a moderate physicochemical difference between glycine and valine. In summary, the available evidence is currently insufficient to determine the role of this variant in disease. Therefore, it has been classified as a Variant of Uncertain Significance. Algorithms developed to predict the effect of sequence changes on RNA splicing suggest that this variant may create or strengthen a splice site, but this prediction has not been confirmed by published transcriptional studies. Algorithms developed to predict the effect of missense changes on protein structure and function are either unavailable or do not agree on the potential impact of this missense change (SIFT: "Deleterious"; PolyPhen-2: "Probably Damaging"; Align-GVGD: "Class C0"). This variant has not been reported in the literature in individuals with GAN-related disease. This variant is not present in population databases (ExAC no frequency).